The following is an entry in ClinVar:

NC_000013.11:g.32910424C>G

Genes: BRCA2 (BRCA2 DNA repair associated; plus strand), LINC00423 (long intergenic non-protein coding RNA 423; minus strand). Cytogenetic location: 13q13.1.
Variant type: single nucleotide variant.
Genome position: GRCh38 VCF-style: chr13-32910424-C-G. GRCh37 (hg19) VCF-style: chr13-33484562-C-G.
Other names: IVS12+74C>G.
Identifiers: ClinVar variation 4073565 (VCV004073565.1).

ClinVar aggregate classification (germline): Uncertain significance (1 of 4 stars; one submission).

Conditions:
Breast-ovarian cancer, familial, susceptibility to, 2 (BROVCA2). Also called: BRCA2 Hereditary Breast and Ovarian Cancer. Identifiers: Orphanet 145, MedGen C2675520, MONDO:0012933, OMIM 612555. Disease mechanism: loss of function.

Submission:

Dipartimento Di Medicina Di Precisione, Università Degli Studi Della Campania Luigi Vanvitelli
Classification: Uncertain significance for Breast-ovarian cancer, familial, susceptibility to, 2. Last evaluated: 2025-07-04. Review status: criteria provided, single submitter. Criteria: ACMG Guidelines, 2015. Collection method: clinical testing. Allele origin: germline. Inheritance: Autosomal dominant inheritance. Affected: yes. Observed: 1 heterozygote.
Comment: This intronic variant, located 74 nucleotides downstream of exon 12 in intron 12 of the BRCA2 gene, involves a cytosine to guanine substitution. The variant lies distant from canonical splice donor and acceptor sites, and its impact on splicing or BRCA2 gene function remains uncertain. Currently, there is no functional or segregation data available to clarify its pathogenicity. Given the patient's personal and/or family history suggestive of hereditary breast and ovarian cancer syndrome, this variant is classified as a Variant of Uncertain Significance (VUS).

Literature cited by the submitters: DOI 10.1515/cclm-2012-0154.